The following is an entry in ClinVar:

ClinVar aggregate classification (germline): Pathogenic/Likely pathogenic. Review status: criteria provided, multiple submitters, no conflicts (2 of 4 stars). 5 submissions from 5 submitters: Pathogenic (4); Likely pathogenic (1). Last evaluated 2024-01-04.

Conditions:
Familial thoracic aortic aneurysm and aortic dissection (TAAD). Also called: Thoracic aortic aneurysms and dissections. Identifiers: Orphanet 91387, MedGen C4707243, MONDO:0019625.
Ehlers-Danlos syndrome, classic type, 1 (EDSCL1). Also called: Ehlers-Danlos syndrome, type 1; EHLERS-DANLOS SYNDROME, GRAVIS TYPE; EHLERS-DANLOS SYNDROME, SEVERE CLASSIC TYPE; EDS I; Ehlers-Danlos Syndrome, Classic Type, COL5A1-Related. Identifiers: MedGen C0268335, MONDO:0019567, OMIM 130000.
Ehlers-Danlos syndrome (EDS). Identifiers: Orphanet 98249, MedGen C0013720, MONDO:0020066.

Submissions (5):

Labcorp Genetics (formerly Invitae), Labcorp
Classification: Pathogenic for Ehlers-Danlos syndrome, classic type, 1. Last evaluated: 2024-01-04. Review status: criteria provided, single submitter. Criteria: Invitae Variant Classification Sherloc (09022015). Collection method: clinical testing. Allele origin: germline.
Comment: This sequence change creates a premature translational stop signal (p.Gly1351Argfs*14) in the COL5A1 gene. It is expected to result in an absent or disrupted protein product. Loss-of-function variants in COL5A1 are known to be pathogenic (PMID: 23587214). This variant is not present in population databases (gnomAD no frequency). This premature translational stop signal has been observed in individual(s) with Ehlers-Danlos syndrome (PMID: 22696272). ClinVar contains an entry for this variant (Variation ID: 957118). For these reasons, this variant has been classified as Pathogenic.

Women's Health and Genetics/Laboratory Corporation of America, LabCorp
Classification: Pathogenic for Ehlers-Danlos syndrome. Last evaluated: 2023-10-19. Review status: criteria provided, single submitter. Criteria: LabCorp Variant Classification Summary - May 2015. Collection method: clinical testing. Allele origin: germline.
Comment: Variant summary: COL5A1 c.4050dupC (p.Gly1351ArgfsX14) results in a premature termination codon, predicted to cause a truncation of the encoded protein or absence of the protein due to nonsense mediated decay, which are commonly known mechanisms for disease. The variant allele was found at a frequency of 2.4e-05 in 248054 control chromosomes. c.4050dupC has been reported in the literature in individuals affected with Ehlers-Danlos Syndrome (example, Symoens_2012, Junkiert-Czarnecka_2022). The following publications have been ascertained in the context of this evaluation (PMID: 35723357, 22696272). Three submitters have cited clinical-significance assessments for this variant to ClinVar after 2014. All submitters classified the variant as pathogenic/likely pathogenic. Based on the evidence outlined above, the variant was classified as pathogenic.

Clinical Genetics Laboratory, Skane University Hospital Lund
Classification: Pathogenic. Last evaluated: 2022-05-27. Review status: criteria provided, single submitter. Criteria: ACMG Guidelines, 2015. Collection method: clinical testing. Allele origin: germline. Affected: yes.

Human Genetics Bochum, Ruhr University Bochum
Classification: Likely pathogenic for Ehlers-Danlos syndrome, classic type, 1. Last evaluated: 2021-12-23. Review status: criteria provided, single submitter. Criteria: ACMG Guidelines, 2015. Collection method: clinical testing. Allele origin: germline. Affected: yes.
Comment: ACMG criteria used to clasify this variant: PVS1, PM2

Ambry Genetics
Classification: Pathogenic for Familial thoracic aortic aneurysm and aortic dissection. Last evaluated: 2018-01-29. Review status: criteria provided, single submitter. Criteria: Ambry Variant Classification Scheme 2023. Collection method: clinical testing. Allele origin: germline.
Comment: The c.4050dupC pathogenic mutation, located in coding exon 51 of the COL5A1 gene, results from a duplication of C at nucleotide position 4050, causing a translational frameshift with a predicted alternate stop codon (p.G1351Rfs*14). This alteration has been reported in an individual with classic Ehlers-Danlos syndrome (Symoens S et al. Hum. Mutat., 2012 Oct;33:1485-93). In addition to the clinical data presented in the literature, this alteration is expected to result in loss of function by premature protein truncation or nonsense-mediated mRNA decay. As such, this alteration is interpreted as a disease-causing mutation.

Literature cited by the submitters: PubMed 23587214 (cited by Labcorp Genetics (formerly Invitae), Labcorp); PubMed 22696272 (cited by 3 submitters); PubMed 35723357 (cited by Women's Health and Genetics/Laboratory Corporation of America, LabCorp).

NM_000093.5(COL5A1):c.4050dup (p.Gly1351fs)

Gene: COL5A1 (collagen type V alpha 1 chain; plus strand). Cytogenetic location: 9q34.3.
Variant type: Duplication.
Coding change: c.4050dup on transcript NM_000093.5 (MANE Select); coding-DNA position 4050, one base duplicated (C; older notation c.4050dupC).
Protein change: p.Gly1351fs; shifts the reading frame from glycine 1351.
Molecular consequence: frameshift variant.
Genome position (GRCh38, 1-based): chr9:134,815,611, C duplicated; the last of 7 consecutive C bases (chr9:134,815,605-134,815,611); duplicating any one gives the same sequence. VCF-style (leftmost placement, unchanged base first): chr9-134815604-G-GC. GRCh37 (hg19) VCF-style: chr9-137707450-G-GC.
Other names: c.4050dupC (NM_000093.5); c.4050dup, p.Gly1351fs (NM_001278074.1); short protein forms G1351fs.
Identifiers: ClinVar variation 957118 (VCV000957118.14), dbSNP rs758337699, ClinGen allele CA5320103.
Genomic context (GRCh38, chr9:134,815,604, plus strand): 5'-GCCTTGGCTGCTTCCTTCTTTCTTCCTTTCAGGGCCCAGTGGGTTTTCCTGGAGATCCTG[G>GC]CCCCCCCGGAGAGCCTGGCCCCGCGGTAGGTGCTCAAGAGGGCAAAGCCACCGGATCCCC-3'